The following is an entry in ClinVar:

ClinVar aggregate classification (germline): Uncertain significance (1 of 4 stars; one submission).

Allele frequency attached by ClinVar (database versions not stated): ExAC 0.00003; gnomAD 0.00003; TOPMed 0.00004.

Submission:

Labcorp Genetics (formerly Invitae), Labcorp
Classification: Uncertain significance. Last evaluated: 2024-06-08. Review status: criteria provided, single submitter. Criteria: Invitae Variant Classification Sherloc (09022015). Collection method: clinical testing. Allele origin: germline.
Comment: This sequence change replaces asparagine, which is neutral and polar, with threonine, which is neutral and polar, at codon 269 of the ASXL1 protein (p.Asn269Thr). This variant is present in population databases (rs779609836, gnomAD 0.01%). This variant has not been reported in the literature in individuals affected with ASXL1-related conditions. ClinVar contains an entry for this variant (Variation ID: 2186134). An algorithm developed to predict the effect of missense changes on protein structure and function (PolyPhen-2) suggests that this variant is likely to be disruptive. In summary, the available evidence is currently insufficient to determine the role of this variant in disease. Therefore, it has been classified as a Variant of Uncertain Significance.

NM_015338.6(ASXL1):c.806A>C (p.Asn269Thr)

Gene: ASXL1 (ASXL transcriptional regulator 1; plus strand). Cytogenetic location: 20q11.21.
Variant type: single nucleotide variant.
Coding change: c.806A>C on transcript NM_015338.6 (MANE Select); coding-DNA position 806, A replaced by C.
Protein change: p.Asn269Thr; replaces asparagine 269 with threonine.
Molecular consequence: missense variant.
Genome position (GRCh38, 1-based): chr20:32,431,408, A>C. VCF-style: chr20-32431408-A-C. GRCh37 (hg19) VCF-style: chr20-31019211-A-C.
Other names: c.623A>C, p.Asn208Thr (NM_001363734.1); short protein forms N208T, N269T.
Identifiers: ClinVar variation 2186134 (VCV002186134.4), dbSNP rs779609836, ClinGen allele CA9808201.